The following is an entry in ClinVar:

NM_001098426.2(SMARCD2):c.1218C>T (p.Tyr406=)

Gene: SMARCD2 (SWI/SNF related BAF chromatin remodeling complex subunit D2; minus strand). Cytogenetic location: 17q23.3.
Variant type: single nucleotide variant.
Coding change: c.1218C>T on transcript NM_001098426.2 (MANE Select); coding-DNA position 1218, C replaced by T.
Protein change: p.Tyr406=; no amino-acid change (tyrosine 406 retained).
Molecular consequence: synonymous variant.
Genome position (GRCh38, 1-based): chr17:63,833,686, G>A on the plus strand (C>T on the coding strand, the complement: SMARCD2 is on the minus strand). VCF-style: chr17-63833686-G-A. GRCh37 (hg19) VCF-style: chr17-61911046-G-A.
Other names: p.Tyr406=; c.993C>T, p.Tyr331= (NM_001330439.1); c.1074C>T, p.Tyr358= (NM_001330440.2); c.1218C>T (NM_001098426.1).
Identifiers: ClinVar variation 1164555 (VCV001164555.21), dbSNP rs182816174, ClinGen allele CA8706259.

ClinVar aggregate classification (germline): Benign/Likely benign. Review status: criteria provided, multiple submitters, no conflicts (2 of 4 stars). 7 submissions from 7 submitters: Benign (2); Likely benign (4). 1 of the submissions does not count toward it. Last evaluated 2026-01-28.

Conditions:
SMARCD2-related disorder. Also called: SMARCD2-related condition.

Allele frequency attached by ClinVar (database versions not stated): ExAC 0.00055; 1000 Genomes Project 30x 0.00203; gnomAD 0.00212 and 0.00232; 1000 Genomes Project 0.00220; ESP Exome Variant Server 0.00227.

Submissions (7):

Labcorp Genetics (formerly Invitae), Labcorp
Classification: Benign. Last evaluated: 2026-01-28. Review status: criteria provided, single submitter. Criteria: Invitae Variant Classification Sherloc (09022015). Collection method: clinical testing. Allele origin: germline.

Women's Health and Genetics/Laboratory Corporation of America, LabCorp
Classification: Likely benign. Last evaluated: 2026-01-22. Review status: criteria provided, single submitter. Criteria: LabCorp Variant Classification Summary - May 2015. Collection method: clinical testing. Allele origin: germline.

CeGaT Center for Human Genetics Tuebingen
Classification: Likely benign. Last evaluated: 2025-10-01. Review status: criteria provided, single submitter. Criteria: CeGaT Center For Human Genetics Tuebingen Variant Classification Criteria Version 2. Collection method: clinical testing. Allele origin: germline. Affected: yes. Observed: 1 variant allele.
Comment: SMARCD2: BP4, BP7

Mayo Clinic Laboratories, Mayo Clinic
Classification: Likely benign. Last evaluated: 2025-09-29. Review status: criteria provided, single submitter. Criteria: ACMG Guidelines, 2015. Collection method: clinical testing. Allele origin: germline. Observed: 2 variant alleles.
Comment: BS1, BP4, BP7

Blueprint Genetics
Classification: Likely benign. Last evaluated: 2024-10-28. Review status: criteria provided, single submitter. Criteria: ACMG Guidelines, 2015. Collection method: clinical testing. Allele origin: germline.

Breakthrough Genomics
Classification: Benign. Review status: criteria provided, single submitter. Criteria: ACMG Guidelines, 2015. Collection method: not provided. Allele origin: germline. Inheritance: Autosomal recessive inheritance. Affected: yes.

PreventionGenetics, part of Exact Sciences
Classification: Benign for SMARCD2-related condition. Last evaluated: 2019-04-10. Review status: no assertion criteria provided. Collection method: clinical testing. Allele origin: germline. Not counted in ClinVar's aggregate classification.
Comment: This variant is classified as benign based on ACMG/AMP sequence variant interpretation guidelines (Richards et al. 2015 PMID: 25741868, with internal and published modifications).